The following is an entry in ClinVar:

NM_000138.5(FBN1):c.6872-12A>G

Gene: FBN1 (fibrillin 1; minus strand). Cytogenetic location: 15q21.1.
Variant type: single nucleotide variant.
Coding change: c.6872-12A>G on transcript NM_000138.5 (MANE Select); 12 bases into the intron before coding-DNA position 6872, A replaced by G.
Molecular consequence: intron variant.
Genome position (GRCh38, 1-based): chr15:48,428,483, T>C on the plus strand (A>G on the coding strand, the complement: FBN1 is on the minus strand). VCF-style: chr15-48428483-T-C. GRCh37 (hg19) VCF-style: chr15-48720680-T-C.
Identifiers: ClinVar variation 924661 (VCV000924661.15), dbSNP rs568325297, ClinGen allele CA057536.

ClinVar aggregate classification (germline): Likely benign. Review status: criteria provided, multiple submitters, no conflicts (2 of 4 stars). 5 submissions from 5 submitters: Likely benign (5). Last evaluated 2026-02-02.

Conditions:
Marfan syndrome (MFS). Also called: Marfan syndrome, classic; Marfan syndrome type 1; Marfan's syndrome; FBN1-Related Marfan Syndrome; MARFAN SYNDROME, TYPE I. Identifiers: Orphanet 284963, Orphanet 558, MedGen C0024796, MONDO:0007947, OMIM 154700.
Familial thoracic aortic aneurysm and aortic dissection (TAAD). Also called: Thoracic aortic aneurysms and dissections. Identifiers: Orphanet 91387, MedGen C4707243, MONDO:0019625.

Allele frequency attached by ClinVar (database versions not stated): gnomAD exomes 0.00002 and 0.00001; ExAC 0.00004.
gnomAD v4.1: 8 of 1,614,064 alleles (0.0005%); highest among the groups gnomAD compares: Non-Finnish European, 0.00068%; no homozygotes.

Submissions (5):

Women's Health and Genetics/Laboratory Corporation of America, LabCorp
Classification: Likely benign. Last evaluated: 2026-02-02. Review status: criteria provided, single submitter. Criteria: LabCorp Variant Classification Summary - May 2015. Collection method: clinical testing. Allele origin: germline.

All of Us Research Program, National Institutes of Health
Classification: Likely benign for Marfan syndrome. Last evaluated: 2024-08-06. Review status: criteria provided, single submitter. Criteria: ACMG Guidelines, 2015. Collection method: clinical testing. Allele origin: germline. Inheritance: Autosomal dominant inheritance. Observed: 7 variant alleles, 7 heterozygotes.
Comment: This study involves interpretation of variants in research participants for the purpose of population health screening. Participant phenotype was not available at the time of variant classification. Additional details can be found in publication PMID: 35346344, PMCID: PMC8962531

Labcorp Genetics (formerly Invitae), Labcorp
Classification: Likely benign for Marfan syndrome; Familial thoracic aortic aneurysm and aortic dissection. Last evaluated: 2024-06-26. Review status: criteria provided, single submitter. Criteria: Invitae Variant Classification Sherloc (09022015). Collection method: clinical testing. Allele origin: germline.

ARUP Laboratories, Molecular Genetics and Genomics, ARUP Laboratories
Classification: Likely benign. Last evaluated: 2021-07-21. Review status: criteria provided, single submitter. Criteria: ARUP Molecular Germline Variant Investigation Process 2021. Collection method: clinical testing. Allele origin: germline.

Color Diagnostics, LLC DBA Color Health
Classification: Likely benign for Familial thoracic aortic aneurysm and aortic dissection. Last evaluated: 2019-05-03. Review status: criteria provided, single submitter. Criteria: ACMG Guidelines, 2015. Collection method: clinical testing. Allele origin: germline.